The following is an entry in ClinVar:

NM_021267.5(CERS1):c.682C>T (p.Arg228Cys)

Genes: CERS1 (ceramide synthase 1; minus strand), GDF1 (growth differentiation factor 1; minus strand). Cytogenetic location: 19p13.11.
Variant type: single nucleotide variant.
Coding change: c.682C>T on transcript NM_021267.5 (MANE Select); coding-DNA position 682, C replaced by T.
Protein change: p.Arg228Cys; replaces arginine 228 with cysteine.
Molecular consequence: missense variant. On other transcripts: 5 prime UTR variant (1), intron variant (1).
Genome position (GRCh38, 1-based): chr19:18,880,344, G>A on the plus strand (C>T on the coding strand, the complement: CERS1 is on the minus strand). VCF-style: chr19-18880344-G-A. GRCh37 (hg19) VCF-style: chr19-18991153-G-A.
Other names: c.388C>T, p.Arg130Cys (NM_001290265.2, NM_001387442.1, NM_001387443.1 and 2 more transcripts); c.682C>T, p.Arg228Cys (NM_001387439.1, NM_001387440.1, NM_198207.3); c.637C>T, p.Arg213Cys (NM_001387441.1); c.-641C>T (NM_001492.6); c.-313+3743C>T (NM_001387438.1); short protein forms R213C, R228C, R130C.
Identifiers: ClinVar variation 1374905 (VCV001374905.6), dbSNP rs746909154, ClinGen allele CA9318183.

ClinVar aggregate classification (germline): Uncertain significance. Review status: criteria provided, multiple submitters, no conflicts (2 of 4 stars). 3 submissions from 3 submitters: Uncertain significance (3). Last evaluated 2025-11-07.

Conditions:
Progressive myoclonic epilepsy type 8. Identifiers: Orphanet 424027, MedGen C5190825, MONDO:0014545, OMIM 616230.

Allele frequency attached by ClinVar (database versions not stated): gnomAD exomes 0.00004; ExAC 0.00013.
gnomAD v4.1: 13 of 1,560,678 alleles (0.00083%); highest among the groups gnomAD compares: South Asian, 0.0059%; no homozygotes.

Submissions (3):

Ambry Genetics
Classification: Uncertain significance. Last evaluated: 2025-11-07. Review status: criteria provided, single submitter. Criteria: Ambry Variant Classification Scheme 2023. Collection method: clinical testing. Allele origin: germline.

Labcorp Genetics (formerly Invitae), Labcorp
Classification: Uncertain significance for Progressive myoclonic epilepsy type 8. Last evaluated: 2022-08-10. Review status: criteria provided, single submitter. Criteria: Invitae Variant Classification Sherloc (09022015). Collection method: clinical testing. Allele origin: germline.
Comment: This sequence change replaces arginine, which is basic and polar, with cysteine, which is neutral and slightly polar, at codon 228 of the CERS1 protein (p.Arg228Cys). This variant is present in population databases (rs746909154, gnomAD 0.02%). This variant has not been reported in the literature in individuals affected with CERS1-related conditions. ClinVar contains an entry for this variant (Variation ID: 1374905). Algorithms developed to predict the effect of missense changes on protein structure and function are either unavailable or do not agree on the potential impact of this missense change (SIFT: "Deleterious"; PolyPhen-2: "Probably Damaging"; Align-GVGD: "Class C0"). In summary, the available evidence is currently insufficient to determine the role of this variant in disease. Therefore, it has been classified as a Variant of Uncertain Significance.

Blueprint Genetics
Classification: Uncertain significance. Last evaluated: 2020-01-23. Review status: criteria provided, single submitter. Criteria: ACMG Guidelines, 2015. Collection method: clinical testing. Allele origin: germline.